The following is an entry in ClinVar:

NM_001032283.3(TMPO):c.565+2019C>A

Gene: TMPO (thymopoietin; plus strand). Cytogenetic location: 12q23.1.
Variant type: single nucleotide variant.
Coding change: c.565+2019C>A on transcript NM_001032283.3 (MANE Select); 2019 bases into the intron after coding-DNA position 565, C replaced by A.
Molecular consequence: intron variant. On other transcripts: missense variant (1).
Genome position (GRCh38, 1-based): chr12:98,533,857, C>A. VCF-style: chr12-98533857-C-A. GRCh37 (hg19) VCF-style: chr12-98927635-C-A.
Other names: c.1600C>A, p.Pro534Thr (NM_003276.2); c.565+2019C>A (NM_001307975.2, NM_001032284.3); short protein forms P534T.
Identifiers: ClinVar variation 860250 (VCV000860250.9), dbSNP rs764610443, ClinGen allele CA6732440.
Genomic context (GRCh38, chr12:98,533,857, plus strand): 5'-CCTTCACTGGCATGCAAATATCCAGTTTCTTCCAGGGAGGCAACACAGATATTATCAGTT[C>A]CAAAAGTAGATGATGAAATCCTAGGGTTTATTTCTGAAGCCACTCCACTAGGAGGTATTC-3'

ClinVar aggregate classification (germline): Uncertain significance. Review status: criteria provided, multiple submitters, no conflicts (2 of 4 stars). 2 submissions from 2 submitters: Uncertain significance (2). Last evaluated 2025-02-28.

Conditions:
Loeys-Dietz syndrome 2 (LDS2). Also called: TGFBR2-Related Loeys-Dietz Syndrome; Marfan Syndrome type 2; Marfan like connective tissue disorder; MFS 2; Marfan syndrome, type 2 (formerly); AORTIC ANEURYSM, FAMILIAL THORACIC 3. Identifiers: Orphanet 284973, Orphanet 558, MedGen C2674574, MONDO:0012427, OMIM 610168.

Allele frequency attached by ClinVar (database versions not stated): gnomAD exomes below 0.00001; ExAC 0.00001; TOPMed 0.00001.

Submissions (2):

Labcorp Genetics (formerly Invitae), Labcorp
Classification: Uncertain significance for Loeys-Dietz syndrome 2. Last evaluated: 2025-02-28. Review status: criteria provided, single submitter. Criteria: Invitae Variant Classification Sherloc (09022015). Collection method: clinical testing. Allele origin: germline.
Comment: This sequence change replaces proline, which is neutral and non-polar, with threonine, which is neutral and polar, at codon 534 of the TMPO protein (p.Pro534Thr). This variant is present in population databases (rs764610443, gnomAD 0.0009%). This variant has not been reported in the literature in individuals affected with TMPO-related conditions. ClinVar contains an entry for this variant (Variation ID: 860250). Invitae Evidence Modeling of protein sequence and biophysical properties (such as structural, functional, and spatial information, amino acid conservation, physicochemical variation, residue mobility, and thermodynamic stability) has been performed for this missense variant. However, the output from this modeling did not meet the statistical confidence thresholds required to predict the impact of this variant on TMPO protein function. In summary, the available evidence is currently insufficient to determine the role of this variant in disease. Therefore, it has been classified as a Variant of Uncertain Significance.

Ambry Genetics
Classification: Uncertain significance. Last evaluated: 2025-01-13. Review status: criteria provided, single submitter. Criteria: Ambry Variant Classification Scheme 2023. Collection method: clinical testing. Allele origin: germline.
Comment: The p.P534T variant (also known as c.1600C>A), located in coding exon 4 of the TMPO gene, results from a C to A substitution at nucleotide position 1600. The proline at codon 534 is replaced by threonine, an amino acid with highly similar properties. This amino acid position is conserved. In addition, this alteration is predicted to be tolerated by in silico analysis. Based on the available evidence, the clinical significance of this variant remains unclear.